The following is an entry in ClinVar:

NM_153676.4(USH1C):c.2317G>A (p.Asp773Asn)

Gene: USH1C (USH1 protein network component harmonin; minus strand). Cytogenetic location: 11p15.1.
Variant type: single nucleotide variant.
Coding change: c.2317G>A on transcript NM_153676.4 (MANE Select); coding-DNA position 2317, G replaced by A.
Protein change: p.Asp773Asn; replaces aspartic acid 773 with asparagine.
Molecular consequence: missense variant. On other transcripts: non-coding transcript variant (1).
Genome position (GRCh38, 1-based): chr11:17,501,114, C>T on the plus strand (G>A on the coding strand, the complement: USH1C is on the minus strand). VCF-style: chr11-17501114-C-T. GRCh37 (hg19) VCF-style: chr11-17522661-C-T.
Other names: c.1417G>A, p.Asp473Asn (NM_005709.4); c.1360G>A, p.Asp454Asn (NM_001297764.2); short protein forms D454N, D473N, D773N.
Identifiers: ClinVar variation 1042355 (VCV001042355.9), dbSNP rs775036726, ClinGen allele CA5904214.

ClinVar aggregate classification (germline): Uncertain significance. Review status: criteria provided, multiple submitters, no conflicts (2 of 4 stars). 3 submissions from 3 submitters: Uncertain significance (2). 1 of the submissions does not count toward it. Last evaluated 2022-08-15.

Conditions:
Usher syndrome type 1C. Also called: USHER SYNDROME, TYPE I, ACADIAN VARIETY. Identifiers: Orphanet 231169, Orphanet 886, MedGen C1848604, MONDO:0010171, OMIM 276904.

Allele frequency attached by ClinVar (database versions not stated): gnomAD below 0.00001 and 0.00003; TOPMed below 0.00001; gnomAD exomes 0.00002 and 0.00004; ExAC 0.00003.
gnomAD v4.1: 26 of 1,613,974 alleles (0.0016%); highest among the groups gnomAD compares: South Asian, 0.027%; no homozygotes.

Submissions (3):

Labcorp Genetics (formerly Invitae), Labcorp
Classification: Uncertain significance. Last evaluated: 2022-08-15. Review status: criteria provided, single submitter. Criteria: Invitae Variant Classification Sherloc (09022015). Collection method: clinical testing. Allele origin: germline.
Comment: This sequence change replaces aspartic acid, which is acidic and polar, with asparagine, which is neutral and polar, at codon 473 of the USH1C protein (p.Asp473Asn). This variant is present in population databases (rs775036726, gnomAD 0.01%). This variant has not been reported in the literature in individuals affected with USH1C-related conditions. ClinVar contains an entry for this variant (Variation ID: 1042355). Algorithms developed to predict the effect of missense changes on protein structure and function (SIFT, PolyPhen-2, Align-GVGD) all suggest that this variant is likely to be tolerated. In summary, the available evidence is currently insufficient to determine the role of this variant in disease. Therefore, it has been classified as a Variant of Uncertain Significance.

GeneDx
Classification: Uncertain significance. Last evaluated: 2020-12-16. Review status: criteria provided, single submitter. Criteria: GeneDx Variant Classification Process June 2021. Collection method: clinical testing. Allele origin: germline. Affected: yes.
Comment: In silico analysis supports that this missense variant does not alter protein structure/function; Has not been previously published as pathogenic or benign to our knowledge

Natera, Inc.
Classification: Uncertain significance for Usher syndrome type 1C. Last evaluated: 2020-11-10. Review status: no assertion criteria provided. Collection method: clinical testing. Allele origin: germline. Not counted in ClinVar's aggregate classification.